The following is an entry in ClinVar:

ClinVar aggregate classification (germline): Uncertain significance (1 of 4 stars; one submission).

Submission:

Labcorp Genetics (formerly Invitae), Labcorp
Classification: Uncertain significance. Last evaluated: 2025-06-23. Review status: criteria provided, single submitter. Criteria: Invitae Variant Classification Sherloc (09022015). Collection method: clinical testing. Allele origin: germline.
Comment: This sequence change replaces glycine, which is neutral and non-polar, with glutamic acid, which is acidic and polar, at codon 123 of the COLEC11 protein (p.Gly123Glu). This variant is not present in population databases (gnomAD no frequency). This variant has not been reported in the literature in individuals affected with COLEC11-related conditions. ClinVar contains an entry for this variant (Variation ID: 1931156). Invitae Evidence Modeling of protein sequence and biophysical properties (such as structural, functional, and spatial information, amino acid conservation, physicochemical variation, residue mobility, and thermodynamic stability) indicates that this missense variant is not expected to disrupt COLEC11 protein function with a negative predictive value of 80%. In summary, the available evidence is currently insufficient to determine the role of this variant in disease. Therefore, it has been classified as a Variant of Uncertain Significance.

NM_024027.5(COLEC11):c.368G>A (p.Gly123Glu)

Gene: COLEC11 (collectin subfamily member 11; plus strand). Cytogenetic location: 2p25.3.
Variant type: single nucleotide variant.
Coding change: c.368G>A on transcript NM_024027.5 (MANE Select); coding-DNA position 368, G replaced by A.
Protein change: p.Gly123Glu; replaces glycine 123 with glutamic acid.
Molecular consequence: missense variant. On other transcripts: non-coding transcript variant (1).
Genome position (GRCh38, 1-based): chr2:3,643,483, G>A. VCF-style: chr2-3643483-G-A. GRCh37 (hg19) VCF-style: chr2-3691073-G-A.
Other names: c.296G>A, p.Gly99Glu (NM_001255982.2, NM_001255983.2); c.224G>A, p.Gly75Glu (NM_001255984.2); c.410G>A, p.Gly137Glu (NM_001255985.1); c.290G>A, p.Gly97Glu (NM_001255986.1); c.218G>A, p.Gly73Glu (NM_001255987.1, NM_001255988.1); c.146G>A, p.Gly49Glu (NM_001255989.1); c.359G>A, p.Gly120Glu (NM_199235.3); short protein forms G120E, G123E, G75E, G99E, G49E, G97E, G137E, G73E.
Identifiers: ClinVar variation 1931156 (VCV001931156.5), dbSNP rs2528488100, ClinGen allele CA345748495.